The following is an entry in ClinVar:

NM_005529.7(HSPG2):c.10836T>A (p.Asp3612Glu)

Gene: HSPG2 (heparan sulfate proteoglycan 2; minus strand). Cytogenetic location: 1p36.12.
Variant type: single nucleotide variant.
Coding change: c.10836T>A on transcript NM_005529.7 (MANE Select); coding-DNA position 10836, T replaced by A.
Protein change: p.Asp3612Glu; replaces aspartic acid 3612 with glutamic acid.
Molecular consequence: missense variant.
Genome position (GRCh38, 1-based): chr1:21,833,609, A>T on the plus strand (T>A on the coding strand, the complement: HSPG2 is on the minus strand). VCF-style: chr1-21833609-A-T. GRCh37 (hg19) VCF-style: chr1-22160102-A-T.
Other names: c.10839T>A, p.Asp3613Glu (NM_001291860.2); short protein forms D3612E, D3613E.
Identifiers: ClinVar variation 1908344 (VCV001908344.5), dbSNP rs2098013911, ClinGen allele CA338907498.

ClinVar aggregate classification (germline): Uncertain significance (1 of 4 stars; one submission).

Allele frequency attached by ClinVar (database versions not stated): TOPMed below 0.00001.

Submission:

Labcorp Genetics (formerly Invitae), Labcorp
Classification: Uncertain significance. Last evaluated: 2024-05-23. Review status: criteria provided, single submitter. Criteria: Invitae Variant Classification Sherloc (09022015). Collection method: clinical testing. Allele origin: germline.
Comment: This sequence change replaces aspartic acid, which is acidic and polar, with glutamic acid, which is acidic and polar, at codon 3612 of the HSPG2 protein (p.Asp3612Glu). This variant is not present in population databases (gnomAD no frequency). This variant has not been reported in the literature in individuals affected with HSPG2-related conditions. ClinVar contains an entry for this variant (Variation ID: 1908344). Algorithms developed to predict the effect of missense changes on protein structure and function output the following: SIFT: "Not Available"; PolyPhen-2: "Benign"; Align-GVGD: "Not Available". The glutamic acid amino acid residue is found in multiple mammalian species, which suggests that this missense change does not adversely affect protein function. In summary, the available evidence is currently insufficient to determine the role of this variant in disease. Therefore, it has been classified as a Variant of Uncertain Significance.